The following is an entry in ClinVar:

ClinVar aggregate classification (germline): Uncertain significance (1 of 4 stars; one submission).

Conditions:
Holoprosencephaly 5 (HPE5). Identifiers: Orphanet 2162, MedGen C1864827, MONDO:0012322, OMIM 609637.

gnomAD v4.1: 1 of 1,249,888 alleles (0.00008%); highest among the groups gnomAD compares: Non-Finnish European, 0.0001%; no homozygotes.

Submission:

Labcorp Genetics (formerly Invitae), Labcorp
Classification: Uncertain significance for Holoprosencephaly 5. Last evaluated: 2022-08-16. Review status: criteria provided, single submitter. Criteria: Invitae Variant Classification Sherloc (09022015). Collection method: clinical testing. Allele origin: germline.
Comment: In summary, the available evidence is currently insufficient to determine the role of this variant in disease. Therefore, it has been classified as a Variant of Uncertain Significance. Algorithms developed to predict the effect of sequence changes on RNA splicing suggest that this variant may create or strengthen a splice site. Algorithms developed to predict the effect of missense changes on protein structure and function are either unavailable or do not agree on the potential impact of this missense change (SIFT: "Deleterious"; PolyPhen-2: "Probably Damaging"; Align-GVGD: "Class C0"). ClinVar contains an entry for this variant (Variation ID: 1472362). This variant has not been reported in the literature in individuals affected with ZIC2-related conditions. This variant is not present in population databases (gnomAD no frequency). This sequence change replaces alanine, which is neutral and non-polar, with valine, which is neutral and non-polar, at codon 5 of the ZIC2 protein (p.Ala5Val).

NM_007129.5(ZIC2):c.14C>T (p.Ala5Val)

Gene: ZIC2 (Zic family member 2; plus strand). Cytogenetic location: 13q32.3.
Variant type: single nucleotide variant.
Coding change: c.14C>T on transcript NM_007129.5 (MANE Select); coding-DNA position 14, C replaced by T.
Protein change: p.Ala5Val; replaces alanine 5 with valine.
Molecular consequence: missense variant.
Genome position (GRCh38, 1-based): chr13:99,982,078, C>T. VCF-style: chr13-99982078-C-T. GRCh37 (hg19) VCF-style: chr13-100634332-C-T.
Other names: short protein forms A5V.
Identifiers: ClinVar variation 1472362 (VCV001472362.5), dbSNP rs2152162144, ClinGen allele CA388636373.